The following is an entry in ClinVar:

ClinVar aggregate classification (germline): Uncertain significance. Review status: criteria provided, single submitter (1 of 4 stars). 2 submissions from 2 submitters: Uncertain significance (1). 1 of the submissions does not count toward it. Last evaluated 2021-08-27.

Conditions:
Microcephaly, normal intelligence and immunodeficiency (NBS). Also called: IMMUNODEFICIENCY, MICROCEPHALY, AND CHROMOSOMAL INSTABILITY; SEEMANOVA SYNDROME II; Nijmegen breakage syndrome; Microcephaly with normal intelligence immunodeficiency and lymphoreticular malignancies; Nonsyndromal microcephaly autosomal recessive with normal intelligence; Seemanova syndrome 2. Identifiers: Orphanet 647, MedGen C0398791, MONDO:0009623, OMIM 251260.

Allele frequency attached by ClinVar (database versions not stated): gnomAD exomes below 0.00001.
gnomAD v4.1: 1 of 1,613,498 alleles (0.000062%); highest among the groups gnomAD compares: Non-Finnish European, 0.000085%; no homozygotes.

Submissions (2):

Labcorp Genetics (formerly Invitae), Labcorp
Classification: Uncertain significance for Microcephaly, normal intelligence and immunodeficiency. Last evaluated: 2021-08-27. Review status: criteria provided, single submitter. Criteria: Invitae Variant Classification Sherloc (09022015). Collection method: clinical testing. Allele origin: germline.
Comment: This sequence change replaces proline with serine at codon 461 of the NBN protein (p.Pro461Ser). The proline residue is highly conserved and there is a moderate physicochemical difference between proline and serine. This variant is not present in population databases (ExAC no frequency). This variant has not been reported in the literature in individuals affected with NBN-related conditions. Algorithms developed to predict the effect of missense changes on protein structure and function output the following: SIFT: "Tolerated"; PolyPhen-2: "Benign"; Align-GVGD: "Class C0". The serine amino acid residue is found in multiple mammalian species, which suggests that this missense change does not adversely affect protein function. In summary, the available evidence is currently insufficient to determine the role of this variant in disease. Therefore, it has been classified as a Variant of Uncertain Significance.

Natera, Inc.
Classification: Uncertain significance for Nijmegen breakage syndrome. Last evaluated: 2021-07-28. Review status: no assertion criteria provided. Collection method: clinical testing. Allele origin: germline. Not counted in ClinVar's aggregate classification.

NM_002485.5(NBN):c.1381C>T (p.Pro461Ser)

Gene: NBN (nibrin; minus strand). Cytogenetic location: 8q21.3.
Variant type: single nucleotide variant.
Coding change: c.1381C>T on transcript NM_002485.5 (MANE Select); coding-DNA position 1381, C replaced by T.
Protein change: p.Pro461Ser; replaces proline 461 with serine.
Molecular consequence: missense variant.
Genome position (GRCh38, 1-based): chr8:89,955,299, G>A on the plus strand (C>T on the coding strand, the complement: NBN is on the minus strand). VCF-style: chr8-89955299-G-A. GRCh37 (hg19) VCF-style: chr8-90967527-G-A.
Other names: c.1135C>T, p.Pro379Ser (NM_001024688.3); short protein forms P461S, P379S.
Identifiers: ClinVar variation 461507 (VCV000461507.10), dbSNP rs1554559015, ClinGen allele CA371655980.